The following is an entry in ClinVar:

ClinVar aggregate classification (germline): Uncertain significance (1 of 4 stars; one submission).

Conditions:
Inborn genetic diseases. Identifiers: MedGen C0950123, MeSH D030342.

Submission:

Ambry Genetics
Classification: Uncertain significance for Inborn genetic diseases. Last evaluated: 2025-09-19. Review status: criteria provided, single submitter. Criteria: Ambry Variant Classification Scheme 2023. Collection method: clinical testing. Allele origin: germline.
Comment: The p.K787Q variant (also known as c.2359A>C), located in coding exon 8 of the MECOM gene, results from an A to C substitution at nucleotide position 2359. The lysine at codon 787 is replaced by glutamine, an amino acid with similar properties. This amino acid position is conserved. In addition, this alteration is predicted to be tolerated by in silico analysis. Based on the available evidence, the clinical significance of this variant remains unclear.

NM_004991.4(MECOM):c.2359A>C (p.Lys787Gln)

Gene: MECOM (MDS1 and EVI1 complex locus; minus strand). Cytogenetic location: 3q26.2.
Variant type: single nucleotide variant.
Coding change: c.2359A>C on transcript NM_004991.4 (MANE Select); coding-DNA position 2359, A replaced by C.
Protein change: p.Lys787Gln; replaces lysine 787 with glutamine.
Molecular consequence: missense variant.
Genome position (GRCh38, 1-based): chr3:169,115,513, T>G on the plus strand (A>C on the coding strand, the complement: MECOM is on the minus strand). VCF-style: chr3-169115513-T-G. GRCh37 (hg19) VCF-style: chr3-168833301-T-G.
Other names: c.1990A>C, p.Lys664Gln (NM_001105077.4); c.1795A>C, p.Lys599Gln (NM_001105078.4, NM_001164000.2, NM_001205194.2 and 4 more transcripts); c.1798A>C, p.Lys600Gln (NM_001163999.2, NM_001366467.2, NM_001366468.2 and 1 more transcripts); c.2359A>C, p.Lys787Gln (NM_001366466.2); c.1387A>C, p.Lys463Gln (NM_001366473.2); c.823A>C, p.Lys275Gln (NM_001366474.2); short protein forms K600Q, K275Q, K463Q, K664Q, K599Q, K787Q.
Identifiers: ClinVar variation 4624589 (VCV004624589.1).